The following is an entry in ClinVar:

NM_020738.4(KIDINS220):c.4043T>G (p.Leu1348Arg)

Gene: KIDINS220 (kinase D interacting substrate 220; minus strand). Cytogenetic location: 2p25.1.
Variant type: single nucleotide variant.
Coding change: c.4043T>G on transcript NM_020738.4 (MANE Select); coding-DNA position 4043, T replaced by G.
Protein change: p.Leu1348Arg; replaces leucine 1348 with arginine.
Molecular consequence: missense variant. On other transcripts: non-coding transcript variant (2).
Genome position (GRCh38, 1-based): chr2:8,733,454, A>C on the plus strand (T>G on the coding strand, the complement: KIDINS220 is on the minus strand). VCF-style: chr2-8733454-A-C. GRCh37 (hg19) VCF-style: chr2-8873584-A-C.
Other names: c.3989T>G, p.Leu1330Arg (NM_001348731.2); c.3986T>G, p.Leu1329Arg (NM_001348732.2, NM_001348738.2); c.3875T>G, p.Leu1292Arg (NM_001348734.2, NM_001348739.2, NM_001348740.2); c.3872T>G, p.Leu1291Arg (NM_001348735.2, NM_001348741.2, NM_001348742.2 and 1 more transcripts); c.3746T>G, p.Leu1249Arg (NM_001348736.2); c.4046T>G, p.Leu1349Arg (NM_001348729.2); short protein forms L1291R, L1292R, L1330R, L1349R, L1249R, L1329R, L1348R.
Identifiers: ClinVar variation 3679191 (VCV003679191.2).

ClinVar aggregate classification (germline): Uncertain significance (1 of 4 stars; one submission).

gnomAD v4.1: 8 of 1,612,916 alleles (0.0005%); highest among the groups gnomAD compares: Non-Finnish European, 0.00068%; no homozygotes.

Submission:

Labcorp Genetics (formerly Invitae), Labcorp
Classification: Uncertain significance. Last evaluated: 2025-04-01. Review status: criteria provided, single submitter. Criteria: Invitae Variant Classification Sherloc (09022015). Collection method: clinical testing. Allele origin: germline.
Comment: This sequence change replaces leucine, which is neutral and non-polar, with arginine, which is basic and polar, at codon 1348 of the KIDINS220 protein (p.Leu1348Arg). This variant is not present in population databases (gnomAD no frequency). This variant has not been reported in the literature in individuals affected with KIDINS220-related conditions. An algorithm developed to predict the effect of missense changes on protein structure and function (PolyPhen-2) suggests that this variant is likely to be tolerated. In summary, the available evidence is currently insufficient to determine the role of this variant in disease. Therefore, it has been classified as a Variant of Uncertain Significance.